The following is an entry in ClinVar:

NM_001379403.1(WDR26):c.1930_1932delinsTTA (p.Asn644Leu)

Gene: WDR26 (WD repeat domain 26; minus strand). Cytogenetic location: 1q42.11.
Variant type: Indel.
Coding change: c.1930_1932delinsTTA on transcript NM_001379403.1 (MANE Select); coding-DNA positions 1930 to 1932, AAT replaced by TTA.
Protein change: p.Asn644Leu; replaces asparagine 644 with leucine.
Molecular consequence: missense variant.
Genome position (GRCh38, 1-based): chr1:224,398,527-224,398,529, ATT replaced by TAA on the plus strand (AAT replaced by TTA on the coding strand, the reverse complement: WDR26 is on the minus strand). VCF-style: chr1-224398527-ATT-TAA. GRCh37 (hg19) VCF-style: chr1-224586229-ATT-TAA.
Other names: c.1582_1584delinsTTA, p.Asn528Leu (NM_001115113.3); c.1630_1632delinsTTA, p.Asn544Leu (NM_025160.7); short protein forms N528L, N544L, N644L.
Identifiers: ClinVar variation 4540363 (VCV004540363.1).

ClinVar aggregate classification (germline): Likely pathogenic (1 of 4 stars; one submission).

Submission:

GeneDx
Classification: Likely pathogenic. Last evaluated: 2025-06-24. Review status: criteria provided, single submitter. Criteria: GeneDx Variant Classification Process June 2021. Collection method: clinical testing. Allele origin: germline. Affected: yes.
Comment: Not observed at significant frequency in large population cohorts (gnomAD); In silico analysis supports a deleterious effect on protein structure/function; Has not been previously published as pathogenic or benign to our knowledge